The following is an entry in ClinVar:

NM_005996.4(TBX3):c.658-3C>A

Gene: TBX3 (T-box transcription factor 3; minus strand). Cytogenetic location: 12q24.21.
Variant type: single nucleotide variant.
Coding change: c.658-3C>A on transcript NM_005996.4 (MANE Select); 3 bases into the intron before coding-DNA position 658, C replaced by A.
Molecular consequence: intron variant.
Genome position (GRCh38, 1-based): chr12:114,679,654, G>T on the plus strand (C>A on the coding strand, the complement: TBX3 is on the minus strand). VCF-style: chr12-114679654-G-T. GRCh37 (hg19) VCF-style: chr12-115117459-G-T.
Other names: c.718-3C>A (NM_016569.4).
Identifiers: ClinVar variation 1216506 (VCV001216506.3), dbSNP rs1868845746, ClinGen allele CA2064795532.
Genomic context (GRCh38, chr12:114,679,654, plus strand): 5'-CATTGGCTCTTACAATGTGGAACCGGGGCTGGTATTTGTGCATGGAGTTCAATATAGTCT[G>T]CAGGGGCAGGGAAGAGGAGACATACATAAAACAAGGATTTAGCAGAACAAACGGGATCTT-3'

ClinVar aggregate classification (germline): Uncertain significance (1 of 4 stars; one submission).

Allele frequency attached by ClinVar (database versions not stated): TOPMed below 0.00001.

Submission:

GeneDx
Classification: Uncertain significance. Last evaluated: 2019-04-23. Review status: criteria provided, single submitter. Criteria: GeneDx Variant Classification Process June 2021. Collection method: clinical testing. Allele origin: germline. Affected: yes.
Comment: Not observed in large population cohorts (Lek et al., 2016); In silico analysis, which includes splice predictors and evolutionary conservation, supports a deleterious effect; Has not been previously published as pathogenic or benign to our knowledge